The following is an entry in ClinVar:

ClinVar aggregate classification (germline): Likely pathogenic (1 of 4 stars; one submission).

Conditions:
ERCC6-related disorder. Also called: ERCC6-related condition; ERCC6-related disorders. Identifiers: MedGen CN239385.

Submission:

Rady Children's Institute for Genomic Medicine, Rady Children's Hospital San Diego
Classification: Likely pathogenic for ERCC6-related disorders. Last evaluated: 2023-10-09. Review status: criteria provided, single submitter. Criteria: ACMG Guidelines, 2015. Collection method: clinical testing. Allele origin: germline. Affected: yes.
Comment: This variant affects the canonical splice donor site of intron 15 and is therefore predicted to interfere with splicing and result in loss of normal protein function through either protein truncation or nonsense-mediated mRNA decay. This variant has not been previously reported or functionally characterized in the literature to our knowledge. The c.2825_2829+3del variant is absent from the gnomAD population database and thus is presumed to be rare. Based on the available evidence, c.2825_2829+3del is classified as Likely Pathogenic.

NM_000124.4(ERCC6):c.2825_2829+3del

Genes: ERCC6 (ERCC excision repair 6, chromatin remodeling factor; minus strand), LOC126860933 (BRD4-independent group 4 enhancer GRCh37_chr10:50679962-50681161; plus strand). Cytogenetic location: 10q11.23.
Variant type: Deletion.
Coding change: c.2825_2829+3del on transcript NM_000124.4 (MANE Select); coding-DNA position 2825 through 3 bases into the intron after coding-DNA position 2829, 8 bases deleted (CGCAGGTT; older notation c.2825_2829+3delCGCAGGTT).
Molecular consequence: splice donor variant.
Genome position (GRCh38, 1-based): chr10:49,472,906-49,472,913, AACCTGCG deleted on the plus strand (CGCAGGTT on the coding strand, the reverse complement: ERCC6 is on the minus strand). VCF-style (leftmost placement, unchanged base first): chr10-49472905-AAACCTGCG-A. GRCh37 (hg19) VCF-style: chr10-50680951-AAACCTGCG-A.
Other names: c.2825_2829+3del (NM_001346440.2).
Identifiers: ClinVar variation 3773850 (VCV003773850.1).